The following is an entry in ClinVar:

NM_001077415.3(CRELD1):c.1048+378C>T

Gene: CRELD1 (CRELD disulfide isomerase 1; plus strand). Cytogenetic location: 3p25.3.
Variant type: single nucleotide variant.
Coding change: c.1048+378C>T on transcript NM_001077415.3 (MANE Select); 378 bases into the intron after coding-DNA position 1048, C replaced by T.
Molecular consequence: intron variant. On other transcripts: 3 prime UTR variant (1), missense variant (2).
Genome position (GRCh38, 1-based): chr3:9,943,893, C>T. VCF-style: chr3-9943893-C-T. GRCh37 (hg19) VCF-style: chr3-9985577-C-T.
Other names: c.*142C>T (NM_001410713.1); c.1049-9C>T (NM_001031717.4); c.964+378C>T (NM_001374319.1, NM_001374320.1); c.1048+378C>T (NM_001374316.1, NM_015513.6); c.1052C>T, p.Ala351Val (NM_001374317.1, NM_001374318.1); short protein forms A351V.
Identifiers: ClinVar variation 5006710 (VCV005006710.2).

ClinVar aggregate classification (germline): Uncertain significance (1 of 4 stars; one submission).

Conditions:
Jeffries-Lakhani neurodevelopmental syndrome. Identifiers: MedGen C5935596, MONDO:0958329, OMIM 620771.
Atrioventricular septal defect, susceptibility to, 2. Identifiers: MedGen C1853508, MONDO:0011650, OMIM 606217.

Submission:

Juno Genomics, Hangzhou Juno Genomics, Inc
Classification: Uncertain significance for Jeffries-Lakhani neurodevelopmental syndrome; Atrioventricular septal defect, susceptibility to, 2. Review status: criteria provided, single submitter. Criteria: ACMG Guidelines, 2015. Collection method: clinical testing. Allele origin: germline.
Comment: Absent from controls (or at extremely low frequency if recessive) in Genome Aggregation Database.;Multiple lines of computational evidence support a deleterious effect on the gene or gene product.